The following is an entry in ClinVar:

ClinVar aggregate classification (germline): Likely benign (1 of 4 stars; one submission).

gnomAD v4.1: 54 of 1,613,964 alleles (0.0033%); highest among the groups gnomAD compares: Middle Eastern, 0.016%; no homozygotes.

Submission:

CeGaT Center for Human Genetics Tuebingen
Classification: Likely benign. Last evaluated: 2026-10-01. Review status: criteria provided, single submitter. Criteria: CeGaT Center For Human Genetics Tuebingen Variant Classification Criteria Version 2. Collection method: clinical testing. Allele origin: germline. Affected: yes. Observed: 1 variant allele.
Comment: ADGRL1: BP4, BP7

NM_014921.5(ADGRL1):c.981C>T (p.Tyr327=)

Genes: ADGRL1 (adhesion G protein-coupled receptor L1; minus strand), ADGRL1-AS1 (ADGRL1 antisense RNA 1; plus strand). Cytogenetic location: 19p13.12.
Variant type: single nucleotide variant.
Coding change: c.981C>T on transcript NM_014921.5 (MANE Select); coding-DNA position 981, C replaced by T.
Protein change: p.Tyr327=; no amino-acid change (tyrosine 327 retained).
Molecular consequence: synonymous variant.
Genome position (GRCh38, 1-based): chr19:14,162,820, G>A on the plus strand (C>T on the coding strand, the complement: ADGRL1 is on the minus strand). VCF-style: chr19-14162820-G-A. GRCh37 (hg19) VCF-style: chr19-14273632-G-A.
Other names: c.996C>T, p.Tyr332= (NM_001008701.3).
Identifiers: ClinVar variation 5041046 (VCV005041046.1).